The following is an entry in ClinVar:

NM_000219.6(KCNE1):c.68A>G (p.Gln23Arg)

Gene: KCNE1 (potassium voltage-gated channel subfamily E regulatory subunit 1; minus strand). Cytogenetic location: 21q22.12.
Variant type: single nucleotide variant.
Coding change: c.68A>G on transcript NM_000219.6 (MANE Select); coding-DNA position 68, A replaced by G.
Protein change: p.Gln23Arg; replaces glutamine 23 with arginine.
Molecular consequence: missense variant.
Genome position (GRCh38, 1-based): chr21:34,449,567, T>C on the plus strand (A>G on the coding strand, the complement: KCNE1 is on the minus strand). VCF-style: chr21-34449567-T-C. GRCh37 (hg19) VCF-style: chr21-35821865-T-C.
Other names: c.68A>G, p.Gln23Arg (NM_001127668.4, NM_001127669.4, NM_001127670.4 and 4 more transcripts); short protein forms Q23R.
Identifiers: ClinVar variation 3373959 (VCV003373959.2).
Genomic context (GRCh38, chr21:34,449,567, plus strand): 5'-TCCAGCTTGCCGTCACTGCTGCGGGGGGACCTGCGGGCCAGGCCCGACATGTTGCCACCC[T>C]GCTGAACTGTCTCCTGCCACAGCTTGGTCAGAAAGGGCGTCACCGCTGTGGTGTTAGACA-3'
Protein context (NP_000210.2, residues 13-33): LTKLWQETVQ[Gln23Arg]GGNMSGLARR

Conditions:
Long QT syndrome 5 (LQT5). Identifiers: Orphanet 101016, Orphanet 768, MedGen C1867904, MONDO:0013372, OMIM 613695.

Submission:

Roden Lab, Vanderbilt University Medical Center
No classification provided (evidence only). Condition: Long QT syndrome 5. Review status: no classification provided. Collection method: in vitro. Allele origin: not applicable. Functional consequence: Effect on ion channel function.
ClinVar note: "not provided" was previously submitted as the classification for the variant. However, the classification appeared to be based only on an observation of functional data so it was converted to no classification on 2025-07-30.